The following is an entry in ClinVar:

ClinVar aggregate classification (germline): Likely benign. Review status: criteria provided, multiple submitters, no conflicts (2 of 4 stars). 3 submissions from 3 submitters: Likely benign (3). Last evaluated 2023-11-22.

Conditions:
Autosomal recessive Alport syndrome (ATS2). Also called: COL4A4 Alport Syndrome and Thin Basement Membrane Nephropathy; ALPORT SYNDROME 2, AUTOSOMAL RECESSIVE; Alport syndrome type 2; COL4A3-Related Nephropathy. Identifiers: Orphanet 63, Orphanet 88919, MedGen C4746745, MONDO:0008762, OMIM 203780.
Benign familial hematuria. Also called: thin basement membrane disease. Identifiers: MedGen C0241908, MONDO:0957317.

Allele frequency attached by ClinVar (database versions not stated): TOPMed 0.00001.
gnomAD v4.1: 1 of 1,614,152 alleles (0.000062%); highest among the groups gnomAD compares: Admixed American, 0.0017%; no homozygotes.

Submissions (3):

Labcorp Genetics (formerly Invitae), Labcorp
Classification: Likely benign. Last evaluated: 2023-11-22. Review status: criteria provided, single submitter. Criteria: Invitae Variant Classification Sherloc (09022015). Collection method: clinical testing. Allele origin: germline.

Fulgent Genetics
Classification: Likely benign for Hematuria, benign familial, 1; Autosomal recessive Alport syndrome. Last evaluated: 2021-11-29. Review status: criteria provided, single submitter. Criteria: ACMG Guidelines, 2015. Collection method: clinical testing. Allele origin: unknown.

Laboratory for Molecular Medicine, Mass General Brigham Personalized Medicine
Classification: Likely benign. Last evaluated: 2018-02-10. Review status: criteria provided, single submitter. Criteria: LMM Criteria. Collection method: clinical testing. Allele origin: germline. Observed: 1 variant allele.
Comment: p.Pro99Pro in exon 5 of COL4A4: This variant is not expected to have clinical si gnificance because it does not alter an amino acid residue, it is not located wi thin the splice consensus sequence, and it is not predicted to impact splicing. It was absent from large population studies. ACMG/AMP Criteria applied: PM2; BP4 ; BP7.

NM_000092.5(COL4A4):c.297T>A (p.Pro99=)

Gene: COL4A4 (collagen type IV alpha 4 chain; minus strand). Cytogenetic location: 2q36.3.
Variant type: single nucleotide variant.
Coding change: c.297T>A on transcript NM_000092.5 (MANE Select); coding-DNA position 297, T replaced by A.
Protein change: p.Pro99=; no amino-acid change (proline 99 retained).
Molecular consequence: synonymous variant.
Genome position (GRCh38, 1-based): chr2:227,121,044, A>T on the plus strand (T>A on the coding strand, the complement: COL4A4 is on the minus strand). VCF-style: chr2-227121044-A-T. GRCh37 (hg19) VCF-style: chr2-227985760-A-T.
Identifiers: ClinVar variation 666680 (VCV000666680.14), dbSNP rs1576662029, ClinGen allele CA431504810.